The following is an entry in ClinVar:

ClinVar aggregate classification (germline): Uncertain significance. Review status: criteria provided, multiple submitters, no conflicts (2 of 4 stars). 2 submissions from 2 submitters: Uncertain significance (2). Last evaluated 2024-10-04.

Conditions:
Inborn genetic diseases. Identifiers: MedGen C0950123, MeSH D030342.

Allele frequency attached by ClinVar (database versions not stated): TOPMed 0.00004; gnomAD 0.00005; ESP Exome Variant Server 0.00008; gnomAD exomes 0.00009; ExAC 0.00012.
gnomAD v4.1: 137 of 1,614,062 alleles (0.0085%); highest among the groups gnomAD compares: South Asian, 0.054%; no homozygotes.

Submissions (2):

Labcorp Genetics (formerly Invitae), Labcorp
Classification: Uncertain significance. Last evaluated: 2024-10-04. Review status: criteria provided, single submitter. Criteria: Invitae Variant Classification Sherloc (09022015). Collection method: clinical testing. Allele origin: germline.
Comment: This sequence change replaces asparagine, which is neutral and polar, with threonine, which is neutral and polar, at codon 228 of the MCM3AP protein (p.Asn228Thr). This variant is present in population databases (rs139125012, gnomAD 0.06%). This variant has not been reported in the literature in individuals affected with MCM3AP-related conditions. ClinVar contains an entry for this variant (Variation ID: 2082756). An algorithm developed to predict the effect of missense changes on protein structure and function (PolyPhen-2) suggests that this variant¬†is likely to be tolerated. In summary, the available evidence is currently insufficient to determine the role of this variant in disease. Therefore, it has been classified as a Variant of Uncertain Significance.

Ambry Genetics
Classification: Uncertain significance for Inborn genetic diseases. Last evaluated: 2024-03-04. Review status: criteria provided, single submitter. Criteria: Ambry Variant Classification Scheme 2023. Collection method: clinical testing. Allele origin: germline.

NM_003906.5(MCM3AP):c.683A>C (p.Asn228Thr)

Gene: MCM3AP (minichromosome maintenance complex component 3 associated protein; minus strand). Cytogenetic location: 21q22.3.
Variant type: single nucleotide variant.
Coding change: c.683A>C on transcript NM_003906.5 (MANE Select); coding-DNA position 683, A replaced by C.
Protein change: p.Asn228Thr; replaces asparagine 228 with threonine.
Molecular consequence: missense variant.
Genome position (GRCh38, 1-based): chr21:46,284,604, T>G on the plus strand (A>C on the coding strand, the complement: MCM3AP is on the minus strand). VCF-style: chr21-46284604-T-G. GRCh37 (hg19) VCF-style: chr21-47704518-T-G.
Other names: c.683A>C (NM_003906.3); short protein forms N228T.
Identifiers: ClinVar variation 2082756 (VCV002082756.4), dbSNP rs139125012, ClinGen allele CA10077298.